The following is an entry in ClinVar:

ClinVar aggregate classification (germline): Uncertain significance (1 of 4 stars; one submission).

Submission:

Ambry Genetics
Classification: Uncertain significance. Last evaluated: 2025-10-15. Review status: criteria provided, single submitter. Criteria: Ambry Variant Classification Scheme 2023. Collection method: clinical testing. Allele origin: germline.
Comment: The p.S1411L variant (also known as c.4232C>T), located in coding exon 19 of the WNK2 gene, results from a C to T substitution at nucleotide position 4232. The serine at codon 1411 is replaced by leucine, an amino acid with dissimilar properties. This amino acid position is conserved. In addition, this alteration is predicted to be tolerated by in silico analysis. Based on the available evidence, the clinical significance of this variant remains unclear.

NM_006648.4(WNK2):c.4232C>T (p.Ser1411Leu)

Gene: WNK2 (WNK lysine deficient protein kinase 2; plus strand). Cytogenetic location: 9q22.31.
Variant type: single nucleotide variant.
Coding change: c.4232C>T on transcript NM_006648.4 (MANE Select); coding-DNA position 4232, C replaced by T.
Protein change: p.Ser1411Leu; replaces serine 1411 with leucine.
Molecular consequence: missense variant.
Genome position (GRCh38, 1-based): chr9:93,288,986, C>T. VCF-style: chr9-93288986-C-T. GRCh37 (hg19) VCF-style: chr9-96051268-C-T.
Other names: c.4343C>T, p.Ser1448Leu (NM_001282394.3); short protein forms S1411L, S1448L.
Identifiers: ClinVar variation 4605264 (VCV004605264.1).